The following is an entry in ClinVar:

ClinVar aggregate classification (germline): Uncertain significance (1 of 4 stars; one submission).

Submission:

Women's Health and Genetics/Laboratory Corporation of America, LabCorp
Classification: Uncertain significance. Last evaluated: 2025-02-18. Review status: criteria provided, single submitter. Criteria: LabCorp Variant Classification Summary - May 2015. Collection method: clinical testing. Allele origin: germline.
Comment: Variant summary: ADGRV1 c.15004A>C (p.Met5002Leu) results in a conservative amino acid change located in the Na-Ca exchanger/integrin-beta4 repeat domain (IPR003644) of the encoded protein sequence. Four of five in-silico tools predict a benign effect of the variant on protein function. The variant allele was not found in ~1588026 control chromosomes in the gnomAD database (v4.1 dataset). To our knowledge, no occurrence of c.15004A>C in individuals affected with ADGRV1-Related Disorders and no experimental evidence demonstrating its impact on protein function have been reported. No submitters have cited clinical-significance assessments for this variant to ClinVar. Based on the evidence outlined above, the variant was classified as uncertain significance.

NM_032119.4(ADGRV1):c.15004A>C (p.Met5002Leu)

Gene: ADGRV1 (adhesion G protein-coupled receptor V1; plus strand). Cytogenetic location: 5q14.3.
Variant type: single nucleotide variant.
Coding change: c.15004A>C on transcript NM_032119.4 (MANE Select); coding-DNA position 15004, A replaced by C.
Protein change: p.Met5002Leu; replaces methionine 5002 with leucine.
Molecular consequence: missense variant. On other transcripts: non-coding transcript variant (1).
Genome position (GRCh38, 1-based): chr5:90,810,264, A>C. VCF-style: chr5-90810264-A-C. GRCh37 (hg19) VCF-style: chr5-90106081-A-C.
Other names: short protein forms M5002L.
Identifiers: ClinVar variation 3768983 (VCV003768983.1).